The following is an entry in ClinVar:

NM_004239.4(TRIP11):c.2257A>G (p.Asn753Asp)

Gene: TRIP11 (thyroid hormone receptor interactor 11; minus strand). Cytogenetic location: 14q32.12.
Variant type: single nucleotide variant.
Coding change: c.2257A>G on transcript NM_004239.4 (MANE Select); coding-DNA position 2257, A replaced by G.
Protein change: p.Asn753Asp; replaces asparagine 753 with aspartic acid.
Molecular consequence: missense variant.
Genome position (GRCh38, 1-based): chr14:92,005,719, T>C on the plus strand (A>G on the coding strand, the complement: TRIP11 is on the minus strand). VCF-style: chr14-92005719-T-C. GRCh37 (hg19) VCF-style: chr14-92472063-T-C.
Other names: c.2254A>G, p.Asn752Asp (NM_001321851.1); short protein forms N752D, N753D.
Identifiers: ClinVar variation 1903976 (VCV001903976.2), dbSNP rs1426228183, ClinGen allele CA390658175.

ClinVar aggregate classification (germline): Uncertain significance (1 of 4 stars; one submission).

Conditions:
Achondrogenesis, type IA (ACG1A). Identifiers: Orphanet 932, Orphanet 93299, MedGen C0265273, MONDO:0008701, OMIM 200600.

Allele frequency attached by ClinVar (database versions not stated): TOPMed 0.00001; gnomAD 0.00002.
gnomAD v4.1: 20 of 1,613,906 alleles (0.0012%); highest among the groups gnomAD compares: East Asian, 0.0022%; no homozygotes.

Submission:

Labcorp Genetics (formerly Invitae), Labcorp
Classification: Uncertain significance for Achondrogenesis, type IA. Last evaluated: 2022-03-19. Review status: criteria provided, single submitter. Criteria: Invitae Variant Classification Sherloc (09022015). Collection method: clinical testing. Allele origin: germline.
Comment: This sequence change replaces asparagine, which is neutral and polar, with aspartic acid, which is acidic and polar, at codon 753 of the TRIP11 protein (p.Asn753Asp). This variant is present in population databases (no rsID available, gnomAD 0.002%). This variant has not been reported in the literature in individuals affected with TRIP11-related conditions. Algorithms developed to predict the effect of missense changes on protein structure and function output the following: SIFT: "Not Available"; PolyPhen-2: "Benign"; Align-GVGD: "Not Available". The aspartic acid amino acid residue is found in multiple mammalian species, which suggests that this missense change does not adversely affect protein function. In summary, the available evidence is currently insufficient to determine the role of this variant in disease. Therefore, it has been classified as a Variant of Uncertain Significance.